The following is an entry in ClinVar:

ClinVar aggregate classification (germline): Uncertain significance (1 of 4 stars; one submission).

Submission:

Greenwood Genetic Center Diagnostic Laboratories, Greenwood Genetic Center
Classification: Uncertain significance. Last evaluated: 2025-04-21. Review status: criteria provided, single submitter. Criteria: ACMG Guidelines, 2015. Collection method: clinical testing. Allele origin: germline. Affected: yes.
Comment: Gene of Uncertain Significance

NM_001394067.2(RAPGEF2):c.996dup (p.Ser333fs)

Gene: RAPGEF2 (Rap guanine nucleotide exchange factor 2; plus strand). Cytogenetic location: 4q32.1.
Variant type: Duplication.
Coding change: c.996dup on transcript NM_001394067.2 (MANE Select); coding-DNA position 996, one base duplicated (C; older notation c.996dupC).
Protein change: p.Ser333fs; shifts the reading frame from serine 333.
Molecular consequence: frameshift variant.
Genome position (GRCh38, 1-based): chr4:159,323,464, C duplicated. VCF-style (leftmost placement, unchanged base first): chr4-159323463-A-AC. GRCh37 (hg19) VCF-style: chr4-160244615-A-AC.
Other names: c.996dup, p.Ser333fs (NM_001351724.5); c.648dup, p.Ser217fs (NM_001351725.2, NM_001351726.3); c.513dup, p.Ser172fs (NM_001351727.4, NM_001351728.4, NM_014247.5); short protein forms S172fs, S217fs, S333fs.
Identifiers: ClinVar variation 4538379 (VCV004538379.1).